The following is an entry in ClinVar:

NM_001558.4(IL10RA):c.1369G>A (p.Ala457Thr)

Gene: IL10RA (interleukin 10 receptor subunit alpha; plus strand). Cytogenetic location: 11q23.3.
Variant type: single nucleotide variant.
Coding change: c.1369G>A on transcript NM_001558.4 (MANE Select); coding-DNA position 1369, G replaced by A.
Protein change: p.Ala457Thr; replaces alanine 457 with threonine.
Molecular consequence: missense variant. On other transcripts: non-coding transcript variant (1).
Genome position (GRCh38, 1-based): chr11:117,999,273, G>A. VCF-style: chr11-117999273-G-A. GRCh37 (hg19) VCF-style: chr11-117869988-G-A.
Other names: short protein forms A457T.
Identifiers: ClinVar variation 1502347 (VCV001502347.5), dbSNP rs764129646, ClinGen allele CA6299177.

ClinVar aggregate classification (germline): Uncertain significance (1 of 4 stars; one submission).

Conditions:
Inflammatory bowel disease 28. Also called: Inflammatory bowel disease 28, early onset, autosomal recessive. Identifiers: Orphanet 238569, MedGen C2751053, MONDO:0013153, OMIM 613148.

Allele frequency attached by ClinVar (database versions not stated): ExAC 0.00002; gnomAD exomes 0.00002.

Submission:

Labcorp Genetics (formerly Invitae), Labcorp
Classification: Uncertain significance for Inflammatory bowel disease 28. Last evaluated: 2022-07-05. Review status: criteria provided, single submitter. Criteria: Invitae Variant Classification Sherloc (09022015). Collection method: clinical testing. Allele origin: germline.
Comment: This sequence change replaces alanine, which is neutral and non-polar, with threonine, which is neutral and polar, at codon 457 of the IL10RA protein (p.Ala457Thr). This variant is present in population databases (rs764129646, gnomAD 0.02%). This variant has not been reported in the literature in individuals affected with IL10RA-related conditions. ClinVar contains an entry for this variant (Variation ID: 1502347). Algorithms developed to predict the effect of missense changes on protein structure and function output the following: SIFT: "Tolerated"; PolyPhen-2: "Benign"; Align-GVGD: "Class C0". The threonine amino acid residue is found in multiple mammalian species, which suggests that this missense change does not adversely affect protein function. In summary, the available evidence is currently insufficient to determine the role of this variant in disease. Therefore, it has been classified as a Variant of Uncertain Significance.